The following is an entry in ClinVar:

ClinVar aggregate classification (germline): Likely benign. Review status: criteria provided, multiple submitters, no conflicts (2 of 4 stars). 5 submissions from 5 submitters: Likely benign (5). Last evaluated 2025-04-23.

Conditions:
Oto-palato-digital syndrome, type II (OPD2). Also called: Otopalatodigital Syndrome Type 2 (FLNA-OPD2); Otopalatodigital Syndrome, Type II; FACIOPALATOOSSEOUS SYNDROME; OPD II SYNDROME. Identifiers: Orphanet 669, Orphanet 90652, MedGen C1844696, MONDO:0010571, OMIM 304120.
Melnick-Needles syndrome (MNS). Also called: Melnick-Needles Syndrome (FLNA-MNS); MELNICK-NEEDLES OSTEODYSPLASTY; OSTEODYSPLASTY OF MELNICK AND NEEDLES. Identifiers: Orphanet 2484, MedGen C0025237, MONDO:0010650, OMIM 309350.
Frontometaphyseal dysplasia (FMD1). Identifiers: Orphanet 1826, MedGen C0265293, MONDO:0015942.
Heterotopia, periventricular, X-linked dominant (PVNH1). Also called: X-linked periventricular heterotopia; PERIVENTRICULAR NODULAR HETEROTOPIA 1; PERIVENTRICULAR NODULAR HETEROTOPIA 4; HETEROTOPIA, PERIVENTRICULAR, 1. Identifiers: Orphanet 2149, Orphanet 82004, MedGen C1848213, MONDO:0010233, OMIM 300049.
Familial thoracic aortic aneurysm and aortic dissection (TAAD). Also called: Thoracic aortic aneurysms and dissections. Identifiers: Orphanet 91387, MedGen C4707243, MONDO:0019625.

Allele frequency attached by ClinVar (database versions not stated): ExAC 0.00001; gnomAD 0.00001; gnomAD exomes 0.00001.
gnomAD v4.1: 7 of 1,206,965 alleles (0.00058%); highest among the groups gnomAD compares: South Asian, 0.0018%; no homozygotes.

Submissions (5):

Labcorp Genetics (formerly Invitae), Labcorp
Classification: Likely benign for Oto-palato-digital syndrome, type II; Heterotopia, periventricular, X-linked dominant; Frontometaphyseal dysplasia; Melnick-Needles syndrome. Last evaluated: 2025-04-23. Review status: criteria provided, single submitter. Criteria: Invitae Variant Classification Sherloc (09022015). Collection method: clinical testing. Allele origin: germline.

CeGaT Center for Human Genetics Tuebingen
Classification: Likely benign. Last evaluated: 2023-12-01. Review status: criteria provided, single submitter. Criteria: CeGaT Center For Human Genetics Tuebingen Variant Classification Criteria Version 2. Collection method: clinical testing. Allele origin: germline. Affected: yes. Observed: 1 variant allele.
Comment: FLNA: BP4, BP7

Women's Health and Genetics/Laboratory Corporation of America, LabCorp
Classification: Likely benign. Last evaluated: 2023-07-21. Review status: criteria provided, single submitter. Criteria: LabCorp Variant Classification Summary - May 2015. Collection method: clinical testing. Allele origin: germline.

Blueprint Genetics
Classification: Likely benign. Last evaluated: 2022-10-18. Review status: criteria provided, single submitter. Criteria: ACMG Guidelines, 2015. Collection method: clinical testing. Allele origin: germline.

Ambry Genetics
Classification: Likely benign for Familial thoracic aortic aneurysm and aortic dissection. Last evaluated: 2020-06-17. Review status: criteria provided, single submitter. Criteria: Ambry Variant Classification Scheme 2023. Collection method: clinical testing. Allele origin: germline.

NM_001110556.2(FLNA):c.468C>T (p.Asp156=)

Gene: FLNA (filamin A; minus strand). Cytogenetic location: Xq28.
Variant type: single nucleotide variant.
Coding change: c.468C>T on transcript NM_001110556.2 (MANE Select); coding-DNA position 468, C replaced by T.
Protein change: p.Asp156=; no amino-acid change (aspartic acid 156 retained).
Molecular consequence: synonymous variant.
Genome position (GRCh38, 1-based): chrX:154,367,996, G>A on the plus strand (C>T on the coding strand, the complement: FLNA is on the minus strand). VCF-style: chrX-154367996-G-A. GRCh37 (hg19) VCF-style: chrX-153596364-G-A.
Other names: c.468C>T, p.Asp156= (NM_001456.4).
Identifiers: ClinVar variation 1742454 (VCV001742454.31), dbSNP rs782657089, ClinGen allele CA10561406.
Genomic context (GRCh38, chrX:154,367,996, plus strand): 5'-GATCCAGCCCAGGAGCCTCTGCTTGGGGGTCTGCTTCTTGGCCTCCTCATCCTCCTCCTC[G>A]TCCCACATGGGCATGGAGATGGAGTAGTGCAGGATCAGGGTCCAGATGAGGCCCAGGATC-3'
Protein context (NP_001104026.1, residues 146-166): LHYSISMPMW[Asp156=]EEEDEEAKKQ